The following is an entry in ClinVar:

NM_000016.6(ACADM):c.1022_1029del (p.Ala341fs)

Gene: ACADM (acyl-CoA dehydrogenase medium chain; plus strand). Cytogenetic location: 1p31.1.
Variant type: Deletion.
Coding change: c.1022_1029del on transcript NM_000016.6 (MANE Select); coding-DNA positions 1022 to 1029, 8 bases deleted (CTTGGGAG; older notation c.1022_1029delCTTGGGAG).
Protein change: p.Ala341fs; shifts the reading frame from alanine 341.
Molecular consequence: frameshift variant.
Genome position (GRCh38, 1-based): chr1:75,761,198-75,761,205, CTTGGGAG deleted; deleting any 8 consecutive bases within chr1:75,761,196-75,761,205 gives the same sequence; the c. name uses the placement nearest the transcript's 3' end. VCF-style (leftmost placement, unchanged base first): chr1-75761195-CAGCTTGGG-C. GRCh37 (hg19) VCF-style: chr1-76226880-CAGCTTGGG-C.
Other names: c.1034_1041del, p.Ala345fs (NM_001127328.3); c.914_921del, p.Ala305fs (NM_001286042.2); c.1121_1128del, p.Ala374fs (NM_001286043.2); c.455_462del, p.Ala152fs (NM_001286044.2); short protein forms A305fs, A152fs, A341fs, A345fs, A374fs.
Identifiers: ClinVar variation 1458793 (VCV001458793.6), dbSNP rs2100452990, ClinGen allele CA2573132609.
Genomic context (GRCh38, chr1:75,761,195, plus strand): 5'-CATTTATGCTGGCTGAAATGGCAATGAAAGTTGAACTAGCTAGAATGAGTTACCAGAGAG[CAGCTTGGG>C]AGGTTGATTCTGGTCGTCGAAATACCTATTATGCTTCTATTGCAAAGGCATTTGCTGGAG-3'

ClinVar aggregate classification (germline): Pathogenic (1 of 4 stars; one submission).

Conditions:
Medium-chain acyl-coenzyme A dehydrogenase deficiency (ACADMD). Also called: MCAD Deficiency; MCADH DEFICIENCY; CARNITINE DEFICIENCY SECONDARY TO MEDIUM-CHAIN ACYL-CoA DEHYDROGENASE DEFICIENCY; ACADM DEFICIENCY; Medium chain acyl-CoA dehydrogenase deficiency; MCADD. Identifiers: Orphanet 42, MedGen C0220710, MONDO:0008721, OMIM 201450.

Submission:

Labcorp Genetics (formerly Invitae), Labcorp
Classification: Pathogenic for Medium-chain acyl-coenzyme A dehydrogenase deficiency. Last evaluated: 2021-04-18. Review status: criteria provided, single submitter. Criteria: Invitae Variant Classification Sherloc (09022015). Collection method: clinical testing. Allele origin: germline.
Comment: This sequence change creates a premature translational stop signal (p.Ala341Glyfs*2) in the ACADM gene. It is expected to result in an absent or disrupted protein product. Loss-of-function variants in ACADM are known to be pathogenic (PMID: 16121256, 20434380). This variant is not present in population databases (ExAC no frequency). This variant has not been reported in the literature in individuals with ACADM-related conditions. Algorithms developed to predict the effect of sequence changes on RNA splicing suggest that this variant may create or strengthen a splice site, but this prediction has not been confirmed by published transcriptional studies. For these reasons, this variant has been classified as Pathogenic.

Literature cited by the submitters: PubMed 16121256; PubMed 20434380.